The following is an entry in ClinVar:

NM_032776.3(JMJD1C):c.17G>A (p.Arg6Gln)

Genes: JMJD1C (jumonji domain containing 1C; minus strand), JMJD1C-AS1 (JMJD1C antisense RNA 1; plus strand). Cytogenetic location: 10q21.3.
Variant type: single nucleotide variant.
Coding change: c.17G>A on transcript NM_032776.3 (MANE Select); coding-DNA position 17, G replaced by A.
Protein change: p.Arg6Gln; replaces arginine 6 with glutamine.
Molecular consequence: missense variant. On other transcripts: non-coding transcript variant (1), intron variant (2).
Genome position (GRCh38, 1-based): chr10:63,465,646, C>T on the plus strand (G>A on the coding strand, the complement: JMJD1C is on the minus strand). VCF-style: chr10-63465646-C-T. GRCh37 (hg19) VCF-style: chr10-65225406-C-T.
Other names: c.17G>A, p.Arg6Gln (NM_001322252.2); c.-384+56092G>A (NM_001322258.2); c.-379+56092G>A (NM_001318154.2); short protein forms R6Q.
Identifiers: ClinVar variation 954559 (VCV000954559.9), dbSNP rs929768765, ClinGen allele CA208670964.

ClinVar aggregate classification (germline): Uncertain significance (1 of 4 stars; one submission).

Conditions:
Early Myoclonic Encephalopathy. Identifiers: MedGen C0270855.

Allele frequency attached by ClinVar (database versions not stated): gnomAD exomes 0.00001.

Submission:

Labcorp Genetics (formerly Invitae), Labcorp
Classification: Uncertain significance for Early Myoclonic Encephalopathy. Last evaluated: 2023-09-10. Review status: criteria provided, single submitter. Criteria: Invitae Variant Classification Sherloc (09022015). Collection method: clinical testing. Allele origin: germline.
Comment: An algorithm developed to predict the effect of missense changes on protein structure and function (PolyPhen-2) suggests that this variant is likely to be disruptive. In summary, the available evidence is currently insufficient to determine the role of this variant in disease. Therefore, it has been classified as a Variant of Uncertain Significance. ClinVar contains an entry for this variant (Variation ID: 954559). This variant has not been reported in the literature in individuals affected with JMJD1C-related conditions. This variant is not present in population databases (gnomAD no frequency). This sequence change replaces arginine, which is basic and polar, with glutamine, which is neutral and polar, at codon 6 of the JMJD1C protein (p.Arg6Gln).